The following is an entry in ClinVar:

NM_001244710.2(GFPT1):c.*22C>T

Gene: GFPT1 (glutamine--fructose-6-phosphate transaminase 1; minus strand). Cytogenetic location: 2p13.3.
Variant type: single nucleotide variant.
Coding change: c.*22C>T on transcript NM_001244710.2 (MANE Select); 22 bases downstream of the stop codon, C replaced by T.
Molecular consequence: 3 prime UTR variant.
Genome position (GRCh38, 1-based): chr2:69,326,167, G>A on the plus strand (C>T on the coding strand, the complement: GFPT1 is on the minus strand). VCF-style: chr2-69326167-G-A. GRCh37 (hg19) VCF-style: chr2-69553299-G-A.
Other names: c.*22C>T (NM_002056.4).
Identifiers: ClinVar variation 1505977 (VCV001505977.4), dbSNP rs199678034, ClinGen allele CA1693485.

ClinVar aggregate classification (germline): Uncertain significance (1 of 4 stars; one submission).

Conditions:
Congenital myasthenic syndrome 12 (CMS12). Also called: Myasthenia, congenital, 12, with tubular aggregates; MYASTHENIC SYNDROME, CONGENITAL, WITH TUBULAR AGGREGATES 1. Identifiers: Orphanet 353327, Orphanet 590, MedGen C3552335, MONDO:0012518, OMIM 610542.

Allele frequency attached by ClinVar (database versions not stated): 1000 Genomes Project 30x 0.00031.
gnomAD v4.1: 40 of 1,511,468 alleles (0.0026%); highest among the groups gnomAD compares: Admixed American, 0.042%; no homozygotes.

Submission:

Labcorp Genetics (formerly Invitae), Labcorp
Classification: Uncertain significance for Congenital myasthenic syndrome 12. Last evaluated: 2022-07-30. Review status: criteria provided, single submitter. Criteria: Invitae Variant Classification Sherloc (09022015). Collection method: clinical testing. Allele origin: germline.
Comment: This variant occurs in a non-coding region of the GFPT1 gene. It does not change the encoded amino acid sequence of the GFPT1 protein. This variant is present in population databases (rs199678034, gnomAD 0.01%). This variant has not been reported in the literature in individuals affected with GFPT1-related conditions. ClinVar contains an entry for this variant (Variation ID: 1505977). Experimental studies and prediction algorithms are not available or were not evaluated, and the functional significance of this variant is currently unknown. In summary, the available evidence is currently insufficient to determine the role of this variant in disease. Therefore, it has been classified as a Variant of Uncertain Significance.